The following is an entry in ClinVar:

NC_000023.10:g.(?_44732798)_(44970656_?)dup

Gene: KDM6A (lysine demethylase 6A; plus strand). Cytogenetic location: Xp11.3.
Variant type: Duplication.
Identifiers: ClinVar variation 1401593 (VCV001401593.4).

ClinVar aggregate classification (germline): Uncertain significance (1 of 4 stars; one submission).

Conditions:
Kabuki syndrome 2 (KABUK2). Also called: KDM6A-Related Kabuki Syndrome. Identifiers: Orphanet 2322, MedGen C3275495, MONDO:0010465, OMIM 300867.

Submission:

Labcorp Genetics (formerly Invitae), Labcorp
Classification: Uncertain significance for Kabuki syndrome 2. Last evaluated: 2023-07-06. Review status: criteria provided, single submitter. Criteria: Invitae Variant Classification Sherloc (09022015). Collection method: clinical testing. Allele origin: germline.
Comment: In summary, the available evidence is currently insufficient to determine the role of this variant in disease. Therefore, it has been classified as a Variant of Uncertain Significance. A similar copy number variant has been observed in individual(s) with autism spectrum disorder and epilepsy (PMID: 23354975). A copy number gain of the genomic region encompassing the full coding sequence of the KDM6A gene has been identified. The boundaries of this event are unknown as they extend beyond the assayed region for this gene and therefore may encompass additional genes. As the precise location of this event is unknown, it may be in tandem or it may be located elsewhere in the genome.

Literature cited by the submitters: PubMed 23354975.